The following is an entry in ClinVar:

ClinVar aggregate classification (germline): Uncertain significance (1 of 4 stars; one submission).

Conditions:
Hereditary cancer-predisposing syndrome. Also called: Neoplastic Syndromes, Hereditary; Tumor predisposition; Hereditary neoplastic syndrome; Hereditary Cancer Syndrome. Identifiers: Orphanet 140162, MedGen C0027672, MeSH D009386, MONDO:0015356.

Allele frequency attached by ClinVar (database versions not stated): TOPMed below 0.00001.

Submission:

Ambry Genetics
Classification: Uncertain significance for Hereditary cancer-predisposing syndrome. Last evaluated: 2023-10-23. Review status: criteria provided, single submitter. Criteria: Ambry Variant Classification Scheme 2023. Collection method: clinical testing. Allele origin: germline.
Comment: The p.P211A variant (also known as c.631C>G), located in coding exon 2 of the BLM gene, results from a C to G substitution at nucleotide position 631. The proline at codon 211 is replaced by alanine, an amino acid with highly similar properties. This amino acid position is poorly conserved in available vertebrate species. In addition, this alteration is predicted to be tolerated by in silico analysis. Since supporting evidence is limited at this time, the clinical significance of this alteration remains unclear.

NM_000057.4(BLM):c.631C>G (p.Pro211Ala)

Gene: BLM (BLM RecQ like helicase; plus strand). Cytogenetic location: 15q26.1.
Variant type: single nucleotide variant.
Coding change: c.631C>G on transcript NM_000057.4 (MANE Select); coding-DNA position 631, C replaced by G.
Protein change: p.Pro211Ala; replaces proline 211 with alanine.
Molecular consequence: missense variant. On other transcripts: 5 prime UTR variant (1).
Genome position (GRCh38, 1-based): chr15:90,749,899, C>G. VCF-style: chr15-90749899-C-G. GRCh37 (hg19) VCF-style: chr15-91293129-C-G.
Other names: c.631C>G, p.Pro211Ala (NM_001287246.2, NM_001287247.2); c.-661C>G (NM_001287248.2); short protein forms P211A.
Identifiers: ClinVar variation 3224860 (VCV003224860.1), dbSNP rs1434144399, ClinGen allele CA393841211.